The following is an entry in ClinVar:

ClinVar aggregate classification (germline): Pathogenic/Likely pathogenic. Review status: criteria provided, multiple submitters, no conflicts (2 of 4 stars). 4 submissions from 4 submitters: Pathogenic (2); Likely pathogenic (2). Last evaluated 2025-06-03.

Conditions:
BBS5-related disorder. Also called: BBS5-related condition.
Bardet-Biedl syndrome 5 (BBS5). Identifiers: Orphanet 110, MedGen C3892039, MONDO:0014434, OMIM 615983.
Bardet-Biedl syndrome (BBS). Identifiers: Orphanet 110, MedGen C0752166, MONDO:0015229.

Allele frequency attached by ClinVar (database versions not stated): ExAC 0.00001; gnomAD 0.00001; 1000 Genomes Project 30x 0.00016; 1000 Genomes Project 0.00020.

Submissions (4):

PreventionGenetics, part of Exact Sciences
Classification: Pathogenic for BBS5-related condition. Last evaluated: 2025-06-03. Review status: criteria provided, single submitter. Criteria: ACMG Guidelines, 2015. Collection method: clinical testing. Allele origin: germline.
Comment: The BBS5 c.1A>T variant is predicted to disrupt the translation initiation site (Start Loss). This variant was reported in the homozygous state in individuals with Bardet-Biedl syndrome (Muller et al. 2010. PubMed ID: 20177705; Scheidecker et al. 2015. PubMed ID: 25982971). Other variants that disrupt the start codon (c.2T>A, p.Met1Lys; c.2T>C, p.Met1Thr) have been reported in individuals with BBS5-related disorders (Harville et al. 2010. PubMed ID: 19797195; Petzold et al. 2023. PubMed ID: 37230223). This variant is reported in 0.0062% of alleles in individuals of African descent in gnomAD. This variant is interpreted as pathogenic.

Blueprint Genetics
Classification: Likely pathogenic for BBS5-related disorders. Last evaluated: 2024-05-14. Review status: criteria provided, single submitter. Criteria: ACMG Guidelines, 2015. Collection method: clinical testing. Allele origin: germline. Affected: yes. Observed: 2 variant alleles.

Genomic Medicine Center of Excellence, King Faisal Specialist Hospital and Research Centre
Classification: Likely pathogenic for Bardet-Biedl syndrome 5. Last evaluated: 2024-03-17. Review status: criteria provided, single submitter. Criteria: ACMG Guidelines, 2015. Collection method: research. Allele origin: germline.

Labcorp Genetics (formerly Invitae), Labcorp
Classification: Pathogenic for Bardet-Biedl syndrome. Last evaluated: 2023-05-18. Review status: criteria provided, single submitter. Criteria: Invitae Variant Classification Sherloc (09022015). Collection method: clinical testing. Allele origin: germline.
Comment: For these reasons, this variant has been classified as Pathogenic. Disruption of the initiator codon has been observed in individual(s) with Bardet-Biedl syndrome (PMID: 19797195, 25982971). This variant is present in population databases (rs536117380, gnomAD 0.007%). This sequence change affects the initiator methionine of the BBS5 mRNA. The next in-frame methionine is located at codon 22.

Literature cited by the submitters: PubMed 19797195 (cited by Labcorp Genetics (formerly Invitae), Labcorp); PubMed 25982971 (cited by Labcorp Genetics (formerly Invitae), Labcorp).

NM_152384.3(BBS5):c.1A>T (p.Met1Leu)

Genes: BBS5 (Bardet-Biedl syndrome 5; plus strand), LOC129935068 (ATAC-STARR-seq lymphoblastoid active region 16738; plus strand). Cytogenetic location: 2q31.1.
Variant type: single nucleotide variant.
Coding change: c.1A>T on transcript NM_152384.3 (MANE Select); coding-DNA position 1, A replaced by T.
Protein change: p.Met1Leu; changes the start codon (methionine 1).
Molecular consequence: missense variant, initiator codon variant.
Genome position (GRCh38, 1-based): chr2:169,479,554, A>T. VCF-style: chr2-169479554-A-T. GRCh37 (hg19) VCF-style: chr2-170336064-A-T.
Other names: short protein forms M1L.
Identifiers: ClinVar variation 3014382 (VCV003014382.8), dbSNP rs536117380, ClinGen allele CA1956064.